The following is an entry in ClinVar:

NM_014795.4(ZEB2):c.707A>G (p.Lys236Arg)

Gene: ZEB2 (zinc finger E-box binding homeobox 2; minus strand). Cytogenetic location: 2q22.3.
Variant type: single nucleotide variant.
Coding change: c.707A>G on transcript NM_014795.4 (MANE Select); coding-DNA position 707, A replaced by G.
Protein change: p.Lys236Arg; replaces lysine 236 with arginine.
Molecular consequence: missense variant.
Genome position (GRCh38, 1-based): chr2:144,404,016, T>C on the plus strand (A>G on the coding strand, the complement: ZEB2 is on the minus strand). VCF-style: chr2-144404016-T-C. GRCh37 (hg19) VCF-style: chr2-145161583-T-C.
Other names: c.635A>G, p.Lys212Arg (NM_001171653.2); short protein forms K236R, K212R.
Identifiers: ClinVar variation 2709820 (VCV002709820.3), dbSNP rs2549109349, ClinGen allele CA348714778.
Genomic context (GRCh38, chr2:144,404,016, plus strand): 5'-AGCTGGGTGCGGTAGGCAAACGTGTAGCTACAGAGAGGGCAGGAAAAGTTCTCTTCATTC[T>C]TCTCGTGGCGGTACTTGATGTGCTCCTTCAGTGATGTCAAGCGCTTGTAGCCCCGGTCGC-3'
Protein context (NP_055610.1, residues 226-246): LKEHIKYRHE[Lys236Arg]NEENFSCPLC

ClinVar aggregate classification (germline): Uncertain significance (1 of 4 stars; one submission).

Conditions:
Mowat-Wilson syndrome (MOWS). Also called: Classic Mowat-Wilson Syndrome. Identifiers: Orphanet 2152, MedGen C1856113, MONDO:0009341, OMIM 235730.

Submission:

Labcorp Genetics (formerly Invitae), Labcorp
Classification: Uncertain significance for Mowat-Wilson syndrome. Last evaluated: 2024-01-27. Review status: criteria provided, single submitter. Criteria: Invitae Variant Classification Sherloc (09022015). Collection method: clinical testing. Allele origin: germline.
Comment: This sequence change replaces lysine, which is basic and polar, with arginine, which is basic and polar, at codon 236 of the ZEB2 protein (p.Lys236Arg). This variant is not present in population databases (gnomAD no frequency). This variant has not been reported in the literature in individuals affected with ZEB2-related conditions. Advanced modeling of protein sequence and biophysical properties (such as structural, functional, and spatial information, amino acid conservation, physicochemical variation, residue mobility, and thermodynamic stability) performed at Invitae indicates that this missense variant is not expected to disrupt ZEB2 protein function with a negative predictive value of 80%. In summary, the available evidence is currently insufficient to determine the role of this variant in disease. Therefore, it has been classified as a Variant of Uncertain Significance.